The following is an entry in ClinVar:

NM_181552.4(CUX1):c.1627G>C (p.Gly543Arg)

Gene: CUX1 (cut like homeobox 1; plus strand). Cytogenetic location: 7q22.1.
Variant type: single nucleotide variant.
Coding change: c.1627G>C on transcript NM_181552.4 (MANE Select); coding-DNA position 1627, G replaced by C.
Protein change: p.Gly543Arg; replaces glycine 543 with arginine.
Molecular consequence: missense variant. On other transcripts: intron variant (5).
Genome position (GRCh38, 1-based): chr7:102,197,038, G>C. VCF-style: chr7-102197038-G-C. GRCh37 (hg19) VCF-style: chr7-101840318-G-C.
Other names: c.1660G>C, p.Gly554Arg (NM_001202543.2); c.1255+1435G>C (NM_001913.5); c.1249+1435G>C (NM_181500.4); c.1117+1435G>C (NM_001202545.3); c.1207+1435G>C (NM_001202544.3); c.1138+1435G>C (NM_001202546.3); short protein forms G543R, G554R.
Identifiers: ClinVar variation 3343620 (VCV003343620.2).

ClinVar aggregate classification (germline): Uncertain significance. Review status: criteria provided, multiple submitters, no conflicts (2 of 4 stars). 2 submissions from 2 submitters: Uncertain significance (2). Last evaluated 2024-10-08.

Conditions:
Inborn genetic diseases. Identifiers: MedGen C0950123, MeSH D030342.

Submissions (2):

Ambry Genetics
Classification: Uncertain significance for Inborn genetic diseases. Last evaluated: 2024-10-08. Review status: criteria provided, single submitter. Criteria: Ambry Variant Classification Scheme 2023. Collection method: clinical testing. Allele origin: germline.

GeneDx
Classification: Uncertain significance. Last evaluated: 2023-05-21. Review status: criteria provided, single submitter. Criteria: GeneDx Variant Classification Process June 2021. Collection method: clinical testing. Allele origin: germline. Affected: yes.
Comment: Not observed at significant frequency in large population cohorts (gnomAD); In silico analysis supports that this missense variant has a deleterious effect on protein structure/function; Has not been previously published as pathogenic or benign to our knowledge